The following is an entry in ClinVar:

NM_138694.4(PKHD1):c.9913dup (p.Ile3305fs)

Gene: PKHD1 (PKHD1 ciliary IPT domain containing fibrocystin/polyductin; minus strand). Cytogenetic location: 6p12.3.
Variant type: Duplication.
Coding change: c.9913dup on transcript NM_138694.4 (MANE Select); coding-DNA position 9913, one base duplicated (A; older notation c.9913dupA).
Protein change: p.Ile3305fs; shifts the reading frame from isoleucine 3305.
Molecular consequence: frameshift variant.
Genome position (GRCh38, 1-based): chr6:51,746,806, T duplicated on the plus strand (A on the coding strand, the reverse complement: PKHD1 is on the minus strand); the first of 2 consecutive T bases (chr6:51,746,806-51,746,807); duplicating either gives the same sequence. VCF-style (leftmost placement, unchanged base first): chr6-51746805-A-AT. GRCh37 (hg19) VCF-style: chr6-51611603-A-AT.
Other names: c.9913dup, p.Ile3305fs (NM_170724.3); short protein forms I3305fs.
Identifiers: ClinVar variation 928781 (VCV000928781.2), dbSNP rs1785246943, ClinGen allele CA1139659309.

ClinVar aggregate classification (germline): Pathogenic/Likely pathogenic. Review status: criteria provided, multiple submitters, no conflicts (2 of 4 stars). 2 submissions from 2 submitters: Pathogenic (1); Likely pathogenic (1). Last evaluated 2025-04-21.

Conditions:
Polycystic kidney disease 4 (PKD4). Also called: POLYCYSTIC KIDNEY AND HEPATIC DISEASE 1; POLYCYSTIC KIDNEY DISEASE, INFANTILE, TYPE I; PKD3; POLYCYSTIC KIDNEY DISEASE 4 WITH OR WITHOUT POLYCYSTIC LIVER DISEASE; Autosomal Recessive Polycystic Kidney Disease – PKHD1. Identifiers: MedGen C4540575, MONDO:0033004, OMIM 263200.
Autosomal recessive polycystic kidney disease (ARPKD). Also called: AR polycystic kidney disease. Identifiers: Orphanet 731, Orphanet 8378, MedGen C0085548, MeSH D017044, MONDO:0009889.

Submissions (2):

Myriad Genetics, Inc.
Classification: Pathogenic for Polycystic kidney disease 4. Last evaluated: 2025-04-21. Review status: criteria provided, single submitter. Criteria: Myriad Autosomal Dominant, Autosomal Recessive and X-Linked Classification Criteria (2023). Collection method: clinical testing. Allele origin: unknown.
Comment: NM_138694.3(PKHD1):c.9913dupA(I3305Nfs*18) is expected to be pathogenic in the context of autosomal recessive polycystic kidney disease, PKHD1-related. This variant is predicted to lead to an abnormal or absent protein product due to the creation of a premature termination codon in PKHD1, a gene where loss-of-function variants are known to be pathogenic. Please note: this variant was assessed in the context of healthy population screening.

Women's Health and Genetics/Laboratory Corporation of America, LabCorp
Classification: Likely pathogenic for Autosomal recessive polycystic kidney disease. Last evaluated: 2019-02-01. Review status: criteria provided, single submitter. Criteria: LabCorp Variant Classification Summary - May 2015. Collection method: clinical testing. Allele origin: germline.
Comment: Variant summary: PKHD1 c.9913dupA (p.Ile3305AsnfsX18) results in a premature termination codon, predicted to cause a truncation of the encoded protein or absence of the protein due to nonsense mediated decay, which are commonly known mechanisms for disease. Truncations downstream of this position have been classified as pathogenic by our laboratory (eg. c.10452dupT, p.Leu3485fsX18; c.10637delT, p.Val3546fsX22; c.10765C>T, p.Gln3589X). The variant was absent in 276452 control chromosomes (gnomAD). To our knowledge, no occurrence of c.9913dupA in individuals affected with Polycystic Kidney and Hepatic Disease and no experimental evidence demonstrating its impact on protein function have been reported. No clinical diagnostic laboratories have submitted clinical-significance assessments for this variant to ClinVar after 2014. Based on the evidence outlined above, the variant was classified as likely pathogenic.